The following is an entry in ClinVar:

ClinVar aggregate classification (germline): Pathogenic (1 of 4 stars; one submission).

Conditions:
ZBTB18-related disorder. Also called: ZBTB18-related condition.

Submission:

GeneDx
Classification: Pathogenic. Last evaluated: 2026-03-12. Review status: criteria provided, single submitter. Criteria: GeneDx Variant Classification Process June 2021. Collection method: clinical testing. Allele origin: germline.
Comment: Not observed at significant frequency in large population cohorts (gnomAD); In silico analysis supports that this missense variant has a deleterious effect on protein structure/function; This variant is associated with the following publications: (PMID: 27535533, 38059438)

NM_205768.3(ZBTB18):c.1493A>G (p.His498Arg)

Gene: ZBTB18 (zinc finger and BTB domain containing 18; plus strand). Cytogenetic location: 1q44.
Variant type: single nucleotide variant.
Coding change: c.1493A>G on transcript NM_205768.3 (MANE Select); coding-DNA position 1493, A replaced by G.
Protein change: p.His498Arg; replaces histidine 498 with arginine.
Molecular consequence: missense variant.
Genome position (GRCh38, 1-based): chr1:244,055,267, A>G. VCF-style: chr1-244055267-A-G. GRCh37 (hg19) VCF-style: chr1-244218569-A-G.
Other names: c.1466A>G, p.His489Arg (NM_001278196.2, NM_006352.5); short protein forms H489R, H498R.
Identifiers: ClinVar variation 1802521 (VCV001802521.3), dbSNP rs1553270640, ClinGen allele CA345675264.
Genomic context (GRCh38, chr1:244,055,267, plus strand): 5'-AGTGGTGCGAGCGCAGGTTCACGCAGTCCGGGGACCTGTACAGACACATTCGCAAGTTCC[A>G]CTGTGAGTTGGTGAACTCCTTGTCGGTCAAAAGCGAAGCACTGAGCTTGCCTACTGTCAG-3'
Protein context (NP_991331.1, residues 488-508): GDLYRHIRKF[His498Arg]CELVNSLSVK